The following is an entry in ClinVar:

ClinVar aggregate classification (germline): Pathogenic/Likely pathogenic. Review status: criteria provided, multiple submitters, no conflicts (2 of 4 stars). 9 submissions from 9 submitters: Pathogenic (1); Likely pathogenic (8). Last evaluated 2026-02-02.

Conditions:
Congenital adrenal hyperplasia. Identifiers: Orphanet 418, MedGen C0001627, MONDO:0018479, HP:0008258.
Antley-Bixler syndrome without genital anomalies or disordered steroidogenesis (ABS2). Also called: Antley-Bixler Syndrome, Autosomal Dominant; MULTISYNOSTOTIC OSTEODYSGENESIS WITH LONG BONE FRACTURES; Trapezoidocephaly synostosis syndrome; Osteodysgenesis, multisynostotic with fractures. Identifiers: Orphanet 596008, Orphanet 83, MedGen C2936791, MONDO:0020667, OMIM 207410.
Antley-Bixler syndrome with genital anomalies and disordered steroidogenesis (ABS1). Also called: POR Deficiency. Identifiers: Orphanet 63269, MedGen C3150099, MONDO:0008726, OMIM 201750.
Congenital adrenal hyperplasia due to cytochrome P450 oxidoreductase deficiency. Also called: DISORDERED STEROIDOGENESIS DUE TO POR DEFICIENCY. Identifiers: Orphanet 95699, MedGen C1860042, MONDO:0013310, OMIM 613571.
POR-related disorder. Also called: POR-related condition.

Allele frequency attached by ClinVar (database versions not stated): gnomAD 0.00001 and 0.00002; TOPMed 0.00003; gnomAD exomes 0.00008 and 0.00011; ExAC 0.00016.
gnomAD v4.1: 120 of 1,610,516 alleles (0.0075%); highest among the groups gnomAD compares: East Asian, 0.042%; no homozygotes.

Submissions (9):

Labcorp Genetics (formerly Invitae), Labcorp
Classification: Likely pathogenic for Congenital adrenal hyperplasia due to cytochrome P450 oxidoreductase deficiency. Last evaluated: 2026-02-02. Review status: criteria provided, single submitter. Criteria: Invitae Variant Classification Sherloc (09022015). Collection method: clinical testing. Allele origin: germline.
Comment: This sequence change replaces tyrosine, which is neutral and polar, with cysteine, which is neutral and slightly polar, at codon 607 of the POR protein (p.Tyr607Cys). This variant is present in population databases (rs72557954, gnomAD 0.05%). This missense change has been observed in individual(s) with clinical features of POR-related conditions (PMID: 20410220, 31888681, 33864926). In at least one individual the data is consistent with being in trans (on the opposite chromosome) from a pathogenic variant. ClinVar contains an entry for this variant (Variation ID: 1254698). Invitae Evidence Modeling of protein sequence and biophysical properties (such as structural, functional, and spatial information, amino acid conservation, physicochemical variation, residue mobility, and thermodynamic stability) indicates that this missense variant is expected to disrupt POR protein function with a positive predictive value of 80%. Experimental studies have shown that this missense change affects POR function (PMID: 18230729, 18551037, 20410220, 31888681). In summary, the currently available evidence indicates that the variant is pathogenic, but additional data are needed to prove that conclusively. Therefore, this variant has been classified as Likely Pathogenic.

Dasa
Classification: Likely pathogenic for Antley-Bixler syndrome with genital anomalies and disordered steroidogenesis. Last evaluated: 2025-11-07. Review status: criteria provided, single submitter. Criteria: DASA Assertion Criteria. Collection method: clinical testing. Allele origin: germline.
Comment: NM_001395413.1(POR):c.1811A>G (p.Tyr604Cys) is a missense variant that results in the substitution of tyrosine with cysteine. This variant has been recurrently observed in individuals with POR-related disorders (PMID: 35842891; PMID: 20410220; PMID: 33864926). Functional evidence supports an impact on the gene or gene product (PMID: 35842891; PMID: 20410220; PMID: 33864926; PMID: 18230729). Also, this variant is rare in population databases. Computational evidence supports a deleterious effect. Based on the currently available evidence, this variant is classified as likely pathogenic.

GeneDx
Classification: Likely pathogenic. Last evaluated: 2025-10-27. Review status: criteria provided, single submitter. Criteria: GeneDx Variant Classification Process June 2021. Collection method: clinical testing. Allele origin: germline. Affected: yes.
Comment: Published functional studies demonstrate this variant impairs cytochrome protein activity (PMID: 18551037, 27032764); Identified with a second POR variant in other patients with POR-related disorders in published literature (PMID: 31888681, 20410220); In silico analysis supports that this missense variant has a deleterious effect on protein structure/function; This variant is associated with the following publications: (PMID: 27068427, 16915000, 18930113, 18230729, 31128914, 22162478, 31888681, Li2020[article], 20410220, 18551037, 27032764, 24847272, 18493134, 34426522, 33864926)

First Genomix Gene Laboratory, Genetic Diagnostics Department
Classification: Likely pathogenic for Congenital adrenal hyperplasia due to cytochrome P450 oxidoreductase deficiency; Antley-Bixler syndrome with genital anomalies and disordered steroidogenesis. Last evaluated: 2025-09-18. Review status: criteria provided, single submitter. Criteria: ACMG Guidelines, 2015. Collection method: clinical testing. Allele origin: germline. Inheritance: Autosomal recessive inheritance. Affected: no. Observed: 1 variant allele.

Women's Health and Genetics/Laboratory Corporation of America, LabCorp
Classification: Likely pathogenic for Congenital adrenal hyperplasia. Last evaluated: 2025-07-14. Review status: criteria provided, single submitter. Criteria: LabCorp Variant Classification Summary - May 2015. Collection method: clinical testing. Allele origin: germline.
Comment: Variant summary: POR c.1811A>G (p.Tyr604Cys) results in a non-conservative amino acid change located in the Oxidoreductase FAD/NAD(P)-binding domain (IPR001433) of the encoded protein sequence. Algorithms developed to predict the effect of missense changes on protein structure and function all suggest that this variant is likely to be disruptive. The variant allele was found at a frequency of 0.00011 in 244454 control chromosomes. This frequency is not significantly higher than estimated for a pathogenic variant in POR causing Congenital Adrenal Hyperplasia (0.00011 vs 0.00091), allowing no conclusion about variant significance. c.1811A>G has been observed in individual(s) affected with Congenital Adrenal Hyperplasia (Idkowiak_2010, Wang_2021). These data indicate that the variant may be associated with disease. The variant was experimentally determined to impact the metabolism of several steroid hormones (Agrawal_2008, Idkowiak_2010), with the most pronounced variant effect resulting in <10% of normal activity (Agrawal_2008). The following publications have been ascertained in the context of this evaluation (PMID: 18551037, 20410220, 33864926). ClinVar contains an entry for this variant (Variation ID: 1254698). Based on the evidence outlined above, the variant was classified as likely pathogenic.

Blueprint Genetics
Classification: Pathogenic for POR-related disorders. Last evaluated: 2024-09-23. Review status: criteria provided, single submitter. Criteria: ACMG Guidelines, 2015. Collection method: clinical testing. Allele origin: germline. Affected: yes. Observed: 5 variant alleles.

Fulgent Genetics
Classification: Likely pathogenic for Antley-Bixler syndrome with genital anomalies and disordered steroidogenesis; Congenital adrenal hyperplasia due to cytochrome P450 oxidoreductase deficiency. Last evaluated: 2024-03-25. Review status: criteria provided, single submitter. Criteria: ACMG Guidelines, 2015. Collection method: clinical testing. Allele origin: germline.

Department of Pathology and Laboratory Medicine, Sinai Health System
Classification: Likely pathogenic for Antley-Bixler syndrome with genital anomalies and disordered steroidogenesis; Antley-Bixler syndrome without genital anomalies or disordered steroidogenesis; Congenital adrenal hyperplasia due to cytochrome P450 oxidoreductase deficiency. Last evaluated: 2022-03-15. Review status: criteria provided, single submitter. Criteria: ACMG Guidelines, 2015. Collection method: research. Allele origin: germline.

Juno Genomics, Hangzhou Juno Genomics, Inc
Classification: Likely pathogenic for Antley-Bixler syndrome with genital anomalies and disordered steroidogenesis; Congenital adrenal hyperplasia due to cytochrome P450 oxidoreductase deficiency. Review status: criteria provided, single submitter. Criteria: ACMG Guidelines, 2015. Collection method: clinical testing. Allele origin: germline.
Comment: Absent from controls (or at extremely low frequency if recessive) in Genome Aggregation Database.;Well-established in vitro or in vivo functional studies supportive of a damaging effect on the gene or gene product.;For recessive disorders, detected in trans with a pathogenic variant.

Literature cited by the submitters: PubMed 20410220 (cited by 3 submitters); PubMed 31888681 (cited by Labcorp Genetics (formerly Invitae), Labcorp); PubMed 33864926 (cited by 3 submitters); PubMed 18230729 (cited by Labcorp Genetics (formerly Invitae), Labcorp and Dasa); PubMed 18551037 (cited by Labcorp Genetics (formerly Invitae), Labcorp and Women's Health and Genetics/Laboratory Corporation of America, LabCorp); PubMed 35842891 (cited by Dasa).

NM_001395413.1(POR):c.1811A>G (p.Tyr604Cys)

Gene: POR (cytochrome p450 oxidoreductase; plus strand). Cytogenetic location: 7q11.23.
Variant type: single nucleotide variant.
Coding change: c.1811A>G on transcript NM_001395413.1 (MANE Select); coding-DNA position 1811, A replaced by G.
Protein change: p.Tyr604Cys; replaces tyrosine 604 with cysteine.
Molecular consequence: missense variant.
Genome position (GRCh38, 1-based): chr7:75,986,163, A>G. VCF-style: chr7-75986163-A-G. GRCh37 (hg19) VCF-style: chr7-75615481-A-G.
Other names: c.1820A>G (NM_000941.2); c.1811A>G, p.Tyr604Cys (NM_001367562.3, NM_001382657.2, NM_001382658.3 and 1 more transcripts); c.1865A>G, p.Tyr622Cys (NM_001382655.3); c.1661A>G, p.Tyr554Cys (NM_001382662.3); c.1874A>G (NM_001382655.1); short protein forms Y554C, Y604C, Y622C.
Identifiers: ClinVar variation 1254698 (VCV001254698.19), dbSNP rs72557954, ClinGen allele CA4304306.